The following is an entry in ClinVar:

ClinVar aggregate classification (germline): Uncertain significance (1 of 4 stars; one submission).

Allele frequency attached by ClinVar (database versions not stated): ExAC 0.00001; gnomAD 0.00001; gnomAD exomes 0.00001.
gnomAD v4.1: 8 of 1,610,608 alleles (0.0005%); highest among the groups gnomAD compares: Admixed American, 0.013%; no homozygotes.

Submission:

Labcorp Genetics (formerly Invitae), Labcorp
Classification: Uncertain significance. Last evaluated: 2022-02-22. Review status: criteria provided, single submitter. Criteria: Invitae Variant Classification Sherloc (09022015). Collection method: clinical testing. Allele origin: germline.
Comment: Algorithms developed to predict the effect of missense changes on protein structure and function output the following: SIFT: "Tolerated"; PolyPhen-2: "Benign"; Align-GVGD: "Class C0". The isoleucine amino acid residue is found in multiple mammalian species, which suggests that this missense change does not adversely affect protein function. This variant has not been reported in the literature in individuals affected with HACE1-related conditions. This variant is present in population databases (rs777142884, gnomAD 0.02%). This sequence change replaces methionine, which is neutral and non-polar, with isoleucine, which is neutral and non-polar, at codon 326 of the HACE1 protein (p.Met326Ile). In summary, the available evidence is currently insufficient to determine the role of this variant in disease. Therefore, it has been classified as a Variant of Uncertain Significance.

NM_020771.4(HACE1):c.978G>A (p.Met326Ile)

Gene: HACE1 (HECT domain and ankyrin repeat containing E3 ubiquitin protein ligase 1; minus strand). Cytogenetic location: 6q16.3.
Variant type: single nucleotide variant.
Coding change: c.978G>A on transcript NM_020771.4 (MANE Select); coding-DNA position 978, G replaced by A.
Protein change: p.Met326Ile; replaces methionine 326 with isoleucine.
Molecular consequence: missense variant. On other transcripts: non-coding transcript variant (7).
Genome position (GRCh38, 1-based): chr6:104,791,600, C>T on the plus strand (G>A on the coding strand, the complement: HACE1 is on the minus strand). VCF-style: chr6-104791600-C-T. GRCh37 (hg19) VCF-style: chr6-105239475-C-T.
Other names: c.846G>A, p.Met282Ile (NM_001321080.2); c.876G>A, p.Met292Ile (NM_001321083.2); c.474G>A, p.Met158Ile (NM_001321084.2, NM_001350557.2, NM_001350558.2); c.744G>A, p.Met248Ile (NM_001350554.2); c.687G>A, p.Met229Ile (NM_001350555.2); c.492G>A, p.Met164Ile (NM_001350556.2); c.396G>A, p.Met132Ile (NM_001350559.2); c.195G>A, p.Met65Ile (NM_001350560.2); short protein forms M132I, M158I, M164I, M229I, M248I, M282I, M292I, M326I.
Identifiers: ClinVar variation 2419311 (VCV002419311.6), dbSNP rs777142884, ClinGen allele CA3940379.